The following is an entry in ClinVar:

ClinVar aggregate classification (germline): Uncertain significance. Review status: criteria provided, multiple submitters, no conflicts (2 of 4 stars). 3 submissions from 3 submitters: Uncertain significance (3). Last evaluated 2025-12-01.

Conditions:
Hereditary spastic paraplegia. Also called: Familial spastic paraparesis. Identifiers: Orphanet 685, MedGen C0037773, MONDO:0019064. Disease mechanism: loss of function.
Progressive sclerosing poliodystrophy (MTDPS4A). Also called: Mitochondrial DNA Depletion Syndrome 4A; Alpers-Huttenlocher Syndrome (AHS); Alpers Syndrome; ALPERS DIFFUSE DEGENERATION OF CEREBRAL GRAY MATTER WITH HEPATIC CIRRHOSIS; Alpers-Huttenlocher Syndrome; Mitochondrial DNA depletion syndrome 4A (Alpers type). Identifiers: Orphanet 726, MedGen C0205710, MONDO:0008758, OMIM 203700.

Allele frequency attached by ClinVar (database versions not stated): gnomAD exomes below 0.00001; TOPMed below 0.00001.
gnomAD v4.1: 2 of 1,609,960 alleles (0.00012%); highest among the groups gnomAD compares: Non-Finnish European, 0.00017%; no homozygotes.

Submissions (3):

Labcorp Genetics (formerly Invitae), Labcorp
Classification: Uncertain significance for Progressive sclerosing poliodystrophy. Last evaluated: 2025-12-01. Review status: criteria provided, single submitter. Criteria: Invitae Variant Classification Sherloc (09022015). Collection method: clinical testing. Allele origin: germline.
Comment: This sequence change replaces glycine, which is neutral and non-polar, with valine, which is neutral and non-polar, at codon 723 of the POLG protein (p.Gly723Val). This variant is not present in population databases (gnomAD no frequency). This variant has not been reported in the literature in individuals affected with POLG-related conditions. ClinVar contains an entry for this variant (Variation ID: 1305059). Invitae Evidence Modeling of protein sequence and biophysical properties (such as structural, functional, and spatial information, amino acid conservation, physicochemical variation, residue mobility, and thermodynamic stability) indicates that this missense variant is not expected to disrupt POLG protein function with a negative predictive value of 95%. Algorithms developed to predict the effect of sequence changes on RNA splicing suggest that this variant may create or strengthen a splice site. In summary, the available evidence is currently insufficient to determine the role of this variant in disease. Therefore, it has been classified as a Variant of Uncertain Significance.

GeneDx
Classification: Uncertain significance. Last evaluated: 2019-04-09. Review status: criteria provided, single submitter. Criteria: GeneDx Variant Classification Process June 2021. Collection method: clinical testing. Allele origin: germline. Affected: yes.
Comment: Not observed in large population cohorts (Lek et al., 2016); In silico analysis, which includes protein predictors and evolutionary conservation, supports that this variant does not alter protein structure/function; Has not been previously published as pathogenic or benign to our knowledge

Genome Diagnostics Laboratory, The Hospital for Sick Children
Classification: Uncertain significance for Hereditary spastic paraplegia. Last evaluated: 2017-05-09. Review status: criteria provided, single submitter. Criteria: ACMG Guidelines, 2015. Collection method: clinical testing. Allele origin: germline. Affected: yes.

NM_002693.3(POLG):c.2168G>T (p.Gly723Val)

Gene: POLG (DNA polymerase gamma, catalytic subunit; minus strand). Cytogenetic location: 15q26.1.
Variant type: single nucleotide variant.
Coding change: c.2168G>T on transcript NM_002693.3 (MANE Select); coding-DNA position 2168, G replaced by T.
Protein change: p.Gly723Val; replaces glycine 723 with valine.
Molecular consequence: missense variant.
Genome position (GRCh38, 1-based): chr15:89,323,501, C>A on the plus strand (G>T on the coding strand, the complement: POLG is on the minus strand). VCF-style: chr15-89323501-C-A. GRCh37 (hg19) VCF-style: chr15-89866732-C-A.
Other names: c.2168G>T, p.Gly723Val (NM_001126131.2); short protein forms G723V.
Identifiers: ClinVar variation 1305059 (VCV001305059.9), dbSNP rs2055428060, ClinGen allele CA393756921.